The following is an entry in ClinVar:

ClinVar aggregate classification (germline): Uncertain significance. Review status: criteria provided, multiple submitters, no conflicts (2 of 4 stars). 2 submissions from 2 submitters: Uncertain significance (2). Last evaluated 2025-10-19.

Conditions:
Hereditary cancer-predisposing syndrome. Also called: Hereditary neoplastic syndrome; Tumor predisposition; Hereditary Cancer Syndrome; Neoplastic Syndromes, Hereditary. Identifiers: Orphanet 140162, MedGen C0027672, MeSH D009386, MONDO:0015356.
Familial cancer of breast. Also called: hereditary breast carcinoma; Hereditary breast cancer; BREAST CANCER, FAMILIAL. Identifiers: Orphanet 227535, MedGen C0346153, MONDO:0016419, OMIM 114480. Disease mechanism: loss of function.

Allele frequency attached by ClinVar (database versions not stated): TOPMed 0.00001.
gnomAD v4.1: 2 of 1,611,782 alleles (0.00012%); highest among the groups gnomAD compares: Non-Finnish European, 0.00017%; no homozygotes.

Submissions (2):

Labcorp Genetics (formerly Invitae), Labcorp
Classification: Uncertain significance for Familial cancer of breast. Last evaluated: 2025-10-19. Review status: criteria provided, single submitter. Criteria: Invitae Variant Classification Sherloc (09022015). Collection method: clinical testing. Allele origin: germline.
Comment: This sequence change replaces arginine, which is basic and polar, with glycine, which is neutral and non-polar, at codon 43 of the BARD1 protein (p.Arg43Gly). This variant is present in population databases (no rsID available, gnomAD 0.0009%). This variant has not been reported in the literature in individuals affected with BARD1-related conditions. ClinVar contains an entry for this variant (Variation ID: 219973). An algorithm developed to predict the effect of missense changes on protein structure and function (PolyPhen-2) suggests that this variant is likely to be disruptive. In summary, the available evidence is currently insufficient to determine the role of this variant in disease. Therefore, it has been classified as a Variant of Uncertain Significance.

Ambry Genetics
Classification: Uncertain significance for Hereditary cancer-predisposing syndrome. Last evaluated: 2025-01-06. Review status: criteria provided, single submitter. Criteria: Ambry Variant Classification Scheme 2023. Collection method: clinical testing. Allele origin: germline.
Comment: The p.R43G variant (also known as c.127C>G), located in coding exon 1 of the BARD1 gene, results from a C to G substitution at nucleotide position 127. The arginine at codon 43 is replaced by glycine, an amino acid with dissimilar properties. This amino acid position is highly conserved on limited sequence alignment. In addition, the in silico prediction for this alteration is inconclusive. Since supporting evidence is limited at this time, the clinical significance of this alteration remains unclear.

NM_000465.4(BARD1):c.127C>G (p.Arg43Gly)

Gene: BARD1 (BRCA1 associated RING domain 1; minus strand). Cytogenetic location: 2q35.
Variant type: single nucleotide variant.
Coding change: c.127C>G on transcript NM_000465.4 (MANE Select); coding-DNA position 127, C replaced by G.
Protein change: p.Arg43Gly; replaces arginine 43 with glycine.
Molecular consequence: missense variant. On other transcripts: non-coding transcript variant (3).
Genome position (GRCh38, 1-based): chr2:214,809,443, G>C on the plus strand (C>G on the coding strand, the complement: BARD1 is on the minus strand). VCF-style: chr2-214809443-G-C. GRCh37 (hg19) VCF-style: chr2-215674167-G-C.
Other names: c.127C>G, p.Arg43Gly (NM_001282543.2, NM_001282545.2, NM_001282548.2 and 1 more transcripts); short protein forms R43G.
Identifiers: ClinVar variation 219973 (VCV000219973.15), dbSNP rs752871324, ClinGen allele CA349676.